The following is an entry in ClinVar:

ClinVar aggregate classification (germline): Likely pathogenic (1 of 4 stars; one submission).

Conditions:
Anterior segment dysgenesis 7 (ASGD7). Also called: SCLEROCORNEA WITH OTHER OCULAR ANOMALIES; Anterior segment dysgenesis 7, with sclerocornea. Identifiers: Orphanet 289499, MedGen C3151617, MONDO:0010015, OMIM 269400.

Submission:

Juno Genomics, Hangzhou Juno Genomics, Inc
Classification: Likely pathogenic for Anterior segment dysgenesis 7. Review status: criteria provided, single submitter. Criteria: ACMG Guidelines, 2015. Collection method: clinical testing. Allele origin: germline.
Comment: Absent from controls (or at extremely low frequency if recessive) in Genome Aggregation Database.;Null variant in a gene where loss of function (LOF) is a known mechanism of disease.

NM_012293.3(PXDN):c.1211del (p.Gln404fs)

Gene: PXDN (peroxidasin; minus strand). Cytogenetic location: 2p25.3.
Variant type: Deletion.
Coding change: c.1211del on transcript NM_012293.3 (MANE Select); coding-DNA position 1211, one base deleted (A; older notation c.1211delA).
Protein change: p.Gln404fs; shifts the reading frame from glutamine 404.
Molecular consequence: frameshift variant.
Genome position (GRCh38, 1-based): chr2:1,666,294, T deleted on the plus strand (A on the coding strand, the reverse complement: PXDN is on the minus strand). VCF-style (leftmost placement, unchanged base first): chr2-1666293-CT-C. GRCh37 (hg19) VCF-style: chr2-1670065-CT-C.
Other names: short protein forms Q404fs.
Identifiers: ClinVar variation 5019589 (VCV005019589.2).